The following is an entry in ClinVar:

ClinVar aggregate classification (germline): Uncertain significance (1 of 4 stars; one submission).

Allele frequency attached by ClinVar (database versions not stated): ExAC 0.00002; gnomAD 0.00002; gnomAD exomes 0.00002; TOPMed 0.00003; ESP Exome Variant Server 0.00008.
gnomAD v4.1: 32 of 1,614,006 alleles (0.002%); highest among the groups gnomAD compares: Middle Eastern, 0.016%; no homozygotes.

Submission:

Labcorp Genetics (formerly Invitae), Labcorp
Classification: Uncertain significance. Last evaluated: 2021-11-21. Review status: criteria provided, single submitter. Criteria: Invitae Variant Classification Sherloc (09022015). Collection method: clinical testing. Allele origin: germline.
Comment: This sequence change replaces arginine, which is basic and polar, with glutamine, which is neutral and polar, at codon 71 of the AXL protein (p.Arg71Gln). This variant is present in population databases (rs143071942, gnomAD 0.006%). This variant has not been reported in the literature in individuals affected with AXL-related conditions. Algorithms developed to predict the effect of missense changes on protein structure and function output the following: SIFT: "Deleterious"; PolyPhen-2: "Benign"; Align-GVGD: "Class C0". The glutamine amino acid residue is found in multiple mammalian species, which suggests that this missense change does not adversely affect protein function. Algorithms developed to predict the effect of sequence changes on RNA splicing suggest that this variant may create or strengthen a splice site. In summary, the available evidence is currently insufficient to determine the role of this variant in disease. Therefore, it has been classified as a Variant of Uncertain Significance.

NM_021913.5(AXL):c.212G>A (p.Arg71Gln)

Gene: AXL (AXL receptor tyrosine kinase; plus strand). Cytogenetic location: 19q13.2.
Variant type: single nucleotide variant.
Coding change: c.212G>A on transcript NM_021913.5 (MANE Select); coding-DNA position 212, G replaced by A.
Protein change: p.Arg71Gln; replaces arginine 71 with glutamine.
Molecular consequence: missense variant.
Genome position (GRCh38, 1-based): chr19:41,220,762, G>A. VCF-style: chr19-41220762-G-A. GRCh37 (hg19) VCF-style: chr19-41726667-G-A.
Other names: c.212G>A, p.Arg71Gln (NM_001699.6); short protein forms R71Q.
Identifiers: ClinVar variation 1441766 (VCV001441766.6), dbSNP rs143071942, ClinGen allele CA9457877.